The following is an entry in ClinVar:

NM_001009944.3(PKD1):c.5244_5246del (p.Val1749del)

Gene: PKD1 (polycystin 1, transient receptor potential channel interacting; minus strand). Cytogenetic location: 16p13.3.
Variant type: Deletion.
Coding change: c.5244_5246del on transcript NM_001009944.3 (MANE Select); coding-DNA positions 5244 to 5246, 3 bases deleted (CGT; older notation c.5244_5246delCGT).
Protein change: p.Val1749del; deletes valine 1749.
Molecular consequence: inframe deletion. On other transcripts: inframe indel (1).
Genome position (GRCh38, 1-based): chr16:2,109,921-2,109,923, ACG deleted on the plus strand (CGT on the coding strand, the reverse complement: PKD1 is on the minus strand); deleting any 3 consecutive bases within chr16:2,109,921-2,109,925 gives the same sequence; the c. name uses the placement nearest the transcript's 3' end. VCF-style (leftmost placement, unchanged base first): chr16-2109920-TACG-T. GRCh37 (hg19) VCF-style: chr16-2159921-TACG-T.
Other names: c.5244_5246del, p.Val1749del (NM_000296.4); c.5242_5244delGTC, p.Val1749del (NM_001009944.2); short protein forms V1749del.
Identifiers: ClinVar variation 1801896 (VCV001801896.1), dbSNP rs2544813702, ClinGen allele CA2580090927.

ClinVar aggregate classification (germline): Uncertain significance (1 of 4 stars; one submission).

Submission:

GeneDx
Classification: Uncertain significance. Last evaluated: 2022-05-28. Review status: criteria provided, single submitter. Criteria: GeneDx Variant Classification Process June 2021. Collection method: clinical testing. Allele origin: germline. Affected: yes.
Comment: Not observed at significant frequency in large population cohorts (gnomAD); In silico analysis supports a deleterious effect on protein structure/function; Has not been previously published as pathogenic or benign to our knowledge